The following is an entry in ClinVar:

ClinVar aggregate classification (germline): Uncertain significance. Review status: criteria provided, multiple submitters, no conflicts (2 of 4 stars). 2 submissions from 2 submitters: Uncertain significance (2). Last evaluated 2023-05-22.

Conditions:
Hereditary cancer-predisposing syndrome. Also called: Tumor predisposition; Hereditary neoplastic syndrome; Neoplastic Syndromes, Hereditary; Hereditary Cancer Syndrome. Identifiers: Orphanet 140162, MedGen C0027672, MeSH D009386, MONDO:0015356.
Hereditary breast ovarian cancer syndrome. Also called: Hereditary breast and ovarian cancer; BRCA1- and BRCA2-Associated Hereditary Breast and Ovarian Cancer; Hereditary breast and/or ovarian cancer syndrome; Hereditary breast and ovarian cancer syndrome; Hereditary breast and ovarian cancer syndrome (HBOC); Breast and ovarian cancer. Identifiers: Orphanet 145, MedGen C0677776, MeSH D061325, MONDO:0003582. Disease mechanism: loss of function.

gnomAD v4.1: 1 of 1,612,772 alleles (0.000062%); highest among the groups gnomAD compares: East Asian, 0.0022%; no homozygotes.

Submissions (2):

Ambry Genetics
Classification: Uncertain significance for Hereditary cancer-predisposing syndrome. Last evaluated: 2023-05-22. Review status: criteria provided, single submitter. Criteria: Ambry Variant Classification Scheme 2023. Collection method: clinical testing. Allele origin: germline.
Comment: The p.S114F variant (also known as c.341C>T), located in coding exon 5 of the BRCA1 gene, results from a C to T substitution at nucleotide position 341. The serine at codon 114 is replaced by phenylalanine, an amino acid with highly dissimilar properties. This amino acid position is well conserved in available vertebrate species. In addition, this alteration is predicted to be deleterious by in silico analysis. Since supporting evidence is limited at this time, the clinical significance of this alteration remains unclear.

Labcorp Genetics (formerly Invitae), Labcorp
Classification: Uncertain significance for Hereditary breast ovarian cancer syndrome. Last evaluated: 2022-08-09. Review status: criteria provided, single submitter. Criteria: Invitae Variant Classification Sherloc (09022015). Collection method: clinical testing. Allele origin: germline.
Comment: This sequence change replaces serine, which is neutral and polar, with phenylalanine, which is neutral and non-polar, at codon 114 of the BRCA1 protein (p.Ser114Phe). This variant has not been reported in the literature in individuals affected with BRCA1-related conditions. ClinVar contains an entry for this variant (Variation ID: 958403). Advanced modeling of protein sequence and biophysical properties (such as structural, functional, and spatial information, amino acid conservation, physicochemical variation, residue mobility, and thermodynamic stability) performed at Invitae indicates that this missense variant is not expected to disrupt BRCA1 protein function. In summary, the available evidence is currently insufficient to determine the role of this variant in disease. Therefore, it has been classified as a Variant of Uncertain Significance. This variant is not present in population databases (gnomAD no frequency).

NM_007294.4(BRCA1):c.341C>T (p.Ser114Phe)

Gene: BRCA1 (BRCA1 DNA repair associated; minus strand). Cytogenetic location: 17q21.31.
Variant type: single nucleotide variant.
Coding change: c.341C>T on transcript NM_007294.4 (MANE Select); coding-DNA position 341, C replaced by T.
Protein change: p.Ser114Phe; replaces serine 114 with phenylalanine.
Molecular consequence: missense variant. On other transcripts: non-coding transcript variant (1).
Genome position (GRCh38, 1-based): chr17:43,104,222, G>A on the plus strand (C>T on the coding strand, the complement: BRCA1 is on the minus strand). VCF-style: chr17-43104222-G-A. GRCh37 (hg19) VCF-style: chr17-41256239-G-A.
Other names: c.200C>T, p.Ser67Phe (NM_001407692.1, NM_001407694.1, NM_001407695.1 and 99 more transcripts); c.131C>T, p.Ser44Phe (NM_001407899.1, NM_001407900.1, NM_001407902.1 and 58 more transcripts); c.341C>T, p.Ser114Phe (NM_001407919.1, NM_001407937.1, NM_001407938.1 and 165 more transcripts); c.-41C>T (NM_001407959.1, NM_001407960.1, NM_001407962.1 and 4 more transcripts); c.332C>T, p.Ser111Phe (NM_001408408.1, NM_001407646.1, NM_001407647.1); c.263C>T, p.Ser88Phe (NM_001408409.1, NM_001408411.1, NM_001408412.1 and 21 more transcripts); c.209C>T, p.Ser70Phe (NM_001408451.1); short protein forms S114F, S67F, S44F, S88F, S111F, S70F.
Identifiers: ClinVar variation 958403 (VCV000958403.13), dbSNP rs786202620, ClinGen allele CA10601462.